The following is an entry in ClinVar:

ClinVar aggregate classification (germline): Uncertain significance (1 of 4 stars; one submission).

gnomAD v4.1: 1 of 1,614,200 alleles (0.000062%); highest among the groups gnomAD compares: Non-Finnish European, 0.000085%; no homozygotes.

Submission:

GeneDx
Classification: Uncertain significance. Last evaluated: 2025-01-14. Review status: criteria provided, single submitter. Criteria: GeneDx Variant Classification Process June 2021. Collection method: clinical testing. Allele origin: germline. Affected: yes.
Comment: Not observed at significant frequency in large population cohorts (gnomAD); In silico analysis supports that this missense variant has a deleterious effect on protein structure/function; Has not been previously published as pathogenic or benign to our knowledge

NM_012199.5(AGO1):c.63C>A (p.Phe21Leu)

Gene: AGO1 (argonaute RISC component 1; plus strand). Cytogenetic location: 1p34.3.
Variant type: single nucleotide variant.
Coding change: c.63C>A on transcript NM_012199.5 (MANE Select); coding-DNA position 63, C replaced by A.
Protein change: p.Phe21Leu; replaces phenylalanine 21 with leucine.
Molecular consequence: missense variant. On other transcripts: 5 prime UTR variant (1).
Genome position (GRCh38, 1-based): chr1:35,888,464, C>A. VCF-style: chr1-35888464-C-A. GRCh37 (hg19) VCF-style: chr1-36354065-C-A.
Other names: c.63C>A, p.Phe21Leu (NM_001317122.2); c.-163C>A (NM_001317123.2); short protein forms F21L.
Identifiers: ClinVar variation 4070711 (VCV004070711.1).
Genomic context (GRCh38, chr1:35,888,464, plus strand): 5'-TCACCAGCCTCTTTGTCTTGTAGCTGCGGGCGCTTACCTGCCCCCCCTGCAGCAGGTGTT[C>A]CAGGCACCTCGCCGGCCTGGCATTGGCACTGTGGGGAAACCAATCAAGCTCCTGGCCAAT-3'
Protein context (NP_036331.1, residues 11-31): GAYLPPLQQV[Phe21Leu]QAPRRPGIGT